The following is an entry in ClinVar:

ClinVar aggregate classification (germline): Likely pathogenic. Review status: reviewed by expert panel (3 of 4 stars). 2 submissions from 2 submitters: Likely pathogenic (1). 1 of the submissions does not count toward it. Last evaluated 2026-09-26.

Conditions:
Juvenile retinoschisis (RS1). Also called: X-linked retinoschisis; X-Linked Juvenile Retinoschisis. Identifiers: Orphanet 792, MedGen C3714753, MONDO:0010725, OMIM 312700.

Submissions (2):

ClinGen X-linked Inherited Retinal Disease Variant Curation Expert Panel, ClinGen
Classification: Likely pathogenic for Juvenile retinoschisis. Last evaluated: 2026-09-26. Review status: reviewed by expert panel. Criteria: ClinGen X LinkedIRD ACMG Specifications RS1 V1.0.0. Collection method: curation. Allele origin: germline. Inheritance: X-linked inheritance.
Comment: The NM_000330.4(RS1):c.575C>A (p.Pro192His) variant is a missense variant encoding the substitution of Proline and Histidine at amino acid 192. This variant is absent from hemizygous individuals in gnomAD v4.1.0 (PM2_Supporting). The computational predictor REVEL gives a score of 0.914, which is within the ClinGen X-linked IRD VCEP range between 0.931 and 0.773 and predicts a damaging effect on RS1 function (PP3_moderate). The computational splicing predictor SpliceAI gives a delta score of 0.00 for all predictive splice changes, which is below the ClinGen X-linked IRD VCEP threshold of >0.2 and does not predict that the variant disrupts RS1 splicing. Another missense variant in the same codon, NM_000330.4(RS1):c.574C>T (p.Pro192Ser), (PMIDs: 9326935, 10636421, 17987333, 19093009, 28348004, 30551202, 30652005, 34828422, 39293640, 17515881, 20809529) has been classified as pathogenic for X-linked retinoschisis by the ClinGen X-linked IRD VCEP, while no benign missense variants have been identified in this codon. The present variant has a higher Grantham’s distance (77) than the comparison variant (74), and SpliceAI has been used to confirm that neither variant has a predicted impact on RS1 splicing (PM5). At least one proband harboring this variant exhibits the following phenotypes, including the appearance of schisis and reduced visual acuity before age 13 years, which together are specific for X-linked retinoschisis (PMID: 33460243, 31106028, 34645606, PP4). This variant has been reported in at least 1 proband meeting one of the PS4 requirements of a male diagnosed with XLRS, as well as a second apparently unrelated proband previously used for the PP4 code (PMIDs: 28559085, PS4_Supporting). In summary, this variant is classified as likely pathogenic for X-linked retinoschisis based on the ClinGen X-linked Inherited Retinal Disease Expert Panel Specifications to the ACMG/AMP Variant Interpretation Guidelines for RS1 Version 1.0.0: PM2_Supporting, PP3_moderate, PM5, PP4, and PS4_Supporting.

Labcorp Genetics (formerly Invitae), Labcorp
Classification: Pathogenic. Last evaluated: 2025-07-02. Review status: criteria provided, single submitter. Criteria: Invitae Variant Classification Sherloc (09022015). Collection method: clinical testing. Allele origin: germline. Not counted in ClinVar's aggregate classification.
Comment: This sequence change replaces proline, which is neutral and non-polar, with histidine, which is basic and polar, at codon 192 of the RS1 protein (p.Pro192His). This variant is not present in population databases (gnomAD no frequency). This missense change has been observed in individuals with X-linked retinoschisis (PMID: 28559085, 33460243; internal data). ClinVar contains an entry for this variant (Variation ID: 1066639). Invitae Evidence Modeling of protein sequence and biophysical properties (such as structural, functional, and spatial information, amino acid conservation, physicochemical variation, residue mobility, and thermodynamic stability) indicates that this missense variant is expected to disrupt RS1 protein function with a positive predictive value of 95%. This variant disrupts the p.Pro192 amino acid residue in RS1. Other variant(s) that disrupt this residue have been determined to be pathogenic (PMID: 19093009, 19324861, 28348004). This suggests that this residue is clinically significant, and that variants that disrupt this residue are likely to be disease-causing. For these reasons, this variant has been classified as Pathogenic.

Literature cited by the submitters: PubMed 28559085 (cited by Labcorp Genetics (formerly Invitae), Labcorp); PubMed 33460243 (cited by Labcorp Genetics (formerly Invitae), Labcorp); PubMed 19093009 (cited by Labcorp Genetics (formerly Invitae), Labcorp); PubMed 19324861 (cited by Labcorp Genetics (formerly Invitae), Labcorp); PubMed 28348004 (cited by Labcorp Genetics (formerly Invitae), Labcorp).

NM_000330.4(RS1):c.575C>A (p.Pro192His)

Genes: CDKL5 (cyclin dependent kinase like 5; plus strand), RS1 (retinoschisin 1; minus strand). Cytogenetic location: Xp22.13.
Variant type: single nucleotide variant.
Coding change: c.575C>A on transcript NM_000330.4 (MANE Select); coding-DNA position 575, C replaced by A.
Protein change: p.Pro192His; replaces proline 192 with histidine.
Molecular consequence: missense variant. On other transcripts: intron variant (2).
Genome position (GRCh38, 1-based): chrX:18,642,104, G>T on the plus strand (C>A on the coding strand, the complement: RS1 is on the minus strand). VCF-style: chrX-18642104-G-T. GRCh37 (hg19) VCF-style: chrX-18660224-G-T.
Other names: NM_000330.4(RS1):c.575C>A; p.Pro192His; c.2714-3903G>T (NM_003159.3, NM_001037343.2); short protein forms P192H.
Identifiers: ClinVar variation 1066639 (VCV001066639.10), dbSNP rs61753175, ClinGen allele CA412370412.